The following is an entry in ClinVar:

NM_002109.6(HARS1):c.824-13T>A

Gene: HARS1 (histidyl-tRNA synthetase 1; minus strand). Cytogenetic location: 5q31.3.
Variant type: single nucleotide variant.
Coding change: c.824-13T>A on transcript NM_002109.6 (MANE Select); 13 bases into the intron before coding-DNA position 824, T replaced by A.
Molecular consequence: intron variant.
Genome position (GRCh38, 1-based): chr5:140,677,129, A>T on the plus strand (T>A on the coding strand, the complement: HARS1 is on the minus strand). VCF-style: chr5-140677129-A-T. GRCh37 (hg19) VCF-style: chr5-140056714-A-T.
Other names: c.737-13T>A (NM_001289094.2); c.482-13T>A (NM_001289093.2); c.644-13T>A (NM_001258042.3); c.704-13T>A (NM_001258040.3); c.602-13T>A (NM_001289092.2); c.764-13T>A (NM_001258041.3).
Identifiers: ClinVar variation 1315849 (VCV001315849.2), dbSNP rs2149823600, ClinGen allele CA2573052439.

ClinVar aggregate classification (germline): Uncertain significance (1 of 4 stars; one submission).

gnomAD v4.1: 1 of 1,613,610 alleles (0.000062%); highest among the groups gnomAD compares: Middle Eastern, 0.017%; no homozygotes.

Submission:

GeneDx
Classification: Uncertain significance. Last evaluated: 2019-09-26. Review status: criteria provided, single submitter. Criteria: GeneDx Variant Classification Process June 2021. Collection method: clinical testing. Allele origin: germline. Affected: yes.
Comment: Not observed in large population cohorts (Lek et al., 2016); Has not been previously published as pathogenic or benign to our knowledge; In-silico analysis, which includes splice predictors and evolutionary conservation, is inconclusive as to whether the variant alters gene splicing. In the absence of RNA/functional studies, the actual effect of this sequence change is unknown.